The following is an entry in ClinVar:

NM_020232.5(PSMG2):c.517del (p.Asp173fs)

Gene: PSMG2 (proteasome assembly chaperone 2; plus strand). Cytogenetic location: 18p11.21.
Variant type: Deletion.
Coding change: c.517del on transcript NM_020232.5 (MANE Select); coding-DNA position 517, one base deleted (G; older notation c.517delG).
Protein change: p.Asp173fs; shifts the reading frame from aspartic acid 173.
Molecular consequence: frameshift variant.
Genome position (GRCh38, 1-based): chr18:12,720,619, G deleted. VCF-style (leftmost placement, unchanged base first): chr18-12720618-AG-A. GRCh37 (hg19) VCF-style: chr18-12720617-AG-A.
Other names: c.424del, p.Asp142fs (NM_147163.2); short protein forms D173fs, D142fs.
Identifiers: ClinVar variation 2722645 (VCV002722645.3), dbSNP rs1355430704, ClinGen allele CA628487675.

ClinVar aggregate classification (germline): Uncertain significance (1 of 4 stars; one submission).

Allele frequency attached by ClinVar (database versions not stated): gnomAD exomes below 0.00001; TOPMed 0.00002.

Submission:

Labcorp Genetics (formerly Invitae), Labcorp
Classification: Uncertain significance. Last evaluated: 2024-12-24. Review status: criteria provided, single submitter. Criteria: Invitae Variant Classification Sherloc (09022015). Collection method: clinical testing. Allele origin: germline.
Comment: This sequence change creates a premature translational stop signal (p.Asp173Metfs*33) in the PSMG2 gene. It is expected to result in an absent or disrupted protein product. However, the current clinical and genetic evidence is not sufficient to establish whether loss-of-function variants in PSMG2 cause disease. This variant is present in population databases (no rsID available, gnomAD 0.006%). This variant has not been reported in the literature in individuals affected with PSMG2-related conditions. ClinVar contains an entry for this variant (Variation ID: 2722645). In summary, the available evidence is currently insufficient to determine the role of this variant in disease. Therefore, it has been classified as a Variant of Uncertain Significance.